The following is an entry in ClinVar:

NM_024408.4(NOTCH2):c.6152G>A (p.Arg2051Gln)

Gene: NOTCH2 (notch receptor 2; minus strand). Cytogenetic location: 1p12.
Variant type: single nucleotide variant.
Coding change: c.6152G>A on transcript NM_024408.4 (MANE Select); coding-DNA position 6152, G replaced by A.
Protein change: p.Arg2051Gln; replaces arginine 2051 with glutamine.
Molecular consequence: missense variant.
Genome position (GRCh38, 1-based): chr1:119,916,570, C>T on the plus strand (G>A on the coding strand, the complement: NOTCH2 is on the minus strand). VCF-style: chr1-119916570-C-T. GRCh37 (hg19) VCF-style: chr1-120459193-C-T.
Other names: c.6152G>A (NM_024408.3); short protein forms R2051Q.
Identifiers: ClinVar variation 501328 (VCV000501328.9), dbSNP rs192122939, ClinGen allele CA1039477.

ClinVar aggregate classification (germline): Uncertain significance. Review status: criteria provided, multiple submitters, no conflicts (2 of 4 stars). 3 submissions from 3 submitters: Uncertain significance (3). Last evaluated 2025-02-20.

Conditions:
NOTCH2-related disorder. Also called: NOTCH2-related condition.
Hajdu-Cheney syndrome (HJCYS). Also called: ACROOSTEOLYSIS WITH OSTEOPOROSIS AND CHANGES IN SKULL AND MANDIBLE; SERPENTINE FIBULA-POLYCYSTIC KIDNEY SYNDROME; Acroosteolysis dominant type. Identifiers: Orphanet 955, MedGen C0917715, MONDO:0007057, OMIM 102500.

Allele frequency attached by ClinVar (database versions not stated): TOPMed 0.00004; gnomAD 0.00006; 1000 Genomes Project 30x 0.00016; 1000 Genomes Project 0.00020.
gnomAD v4.1: 23 of 1,613,608 alleles (0.0014%); highest among the groups gnomAD compares: African/African-American, 0.015%; no homozygotes.

Submissions (3):

Labcorp Genetics (formerly Invitae), Labcorp
Classification: Uncertain significance for Hajdu-Cheney syndrome. Last evaluated: 2025-02-20. Review status: criteria provided, single submitter. Criteria: Invitae Variant Classification Sherloc (09022015). Collection method: clinical testing. Allele origin: germline.
Comment: This sequence change replaces arginine, which is basic and polar, with glutamine, which is neutral and polar, at codon 2051 of the NOTCH2 protein (p.Arg2051Gln). This variant is present in population databases (rs192122939, gnomAD 0.02%). This variant has not been reported in the literature in individuals affected with NOTCH2-related conditions. ClinVar contains an entry for this variant (Variation ID: 501328). Invitae Evidence Modeling of protein sequence and biophysical properties (such as structural, functional, and spatial information, amino acid conservation, physicochemical variation, residue mobility, and thermodynamic stability) indicates that this missense variant is not expected to disrupt NOTCH2 protein function with a negative predictive value of 95%. In summary, the available evidence is currently insufficient to determine the role of this variant in disease. Therefore, it has been classified as a Variant of Uncertain Significance.

PreventionGenetics, part of Exact Sciences
Classification: Uncertain significance for NOTCH2-related condition. Last evaluated: 2023-02-05. Review status: criteria provided, single submitter. Criteria: ACMG Guidelines, 2015. Collection method: clinical testing. Allele origin: germline.
Comment: The NOTCH2 c.6152G>A variant is predicted to result in the amino acid substitution p.Arg2051Gln. To our knowledge, this variant has not been reported in the literature. This variant is reported in 0.024% of alleles in individuals of African descent in gnomAD, which may be too common to be causative. In addition, this variant is located in the last exon of the gene. Although we suspect that this variant may be benign, at this time, the clinical significance of this variant is uncertain due to the absence of conclusive functional and genetic evidence.

Eurofins Ntd Llc (ga)
Classification: Uncertain significance. Last evaluated: 2017-04-06. Review status: criteria provided, single submitter. Criteria: EGL Classification Definitions 2015. Collection method: clinical testing. Allele origin: germline. Observed: 2 variant alleles, 2 heterozygotes.